The following is an entry in ClinVar:

ClinVar aggregate classification (germline): Likely benign (1 of 4 stars; one submission).

gnomAD v4.1: 1 of 1,211,057 alleles (0.000083%); highest among the groups gnomAD compares: South Asian, 0.0018%; no homozygotes.

Submission:

GeneDx
Classification: Likely benign. Last evaluated: 2023-10-24. Review status: criteria provided, single submitter. Criteria: GeneDx Variant Classification Process June 2021. Collection method: clinical testing. Allele origin: germline. Affected: yes.
Comment: See Variant Classification Assertion Criteria.

NM_005120.3(MED12):c.5426G>A (p.Ser1809Asn)

Gene: MED12 (mediator complex subunit 12; plus strand). Cytogenetic location: Xq13.1.
Variant type: single nucleotide variant.
Coding change: c.5426G>A on transcript NM_005120.3 (MANE Select); coding-DNA position 5426, G replaced by A.
Protein change: p.Ser1809Asn; replaces serine 1809 with asparagine.
Molecular consequence: missense variant.
Genome position (GRCh38, 1-based): chrX:71,136,904, G>A. VCF-style: chrX-71136904-G-A. GRCh37 (hg19) VCF-style: chrX-70356754-G-A.
Other names: short protein forms S1809N.
Identifiers: ClinVar variation 3361027 (VCV003361027.1).